The following is an entry in ClinVar:

NM_001103.4(ACTN2):c.1383C>T (p.Ile461=)

Gene: ACTN2 (actinin alpha 2; plus strand). Cytogenetic location: 1q43.
Variant type: single nucleotide variant.
Coding change: c.1383C>T on transcript NM_001103.4 (MANE Select); coding-DNA position 1383, C replaced by T.
Protein change: p.Ile461=; no amino-acid change (isoleucine 461 retained).
Molecular consequence: synonymous variant.
Genome position (GRCh38, 1-based): chr1:236,744,753, C>T. VCF-style: chr1-236744753-C-T. GRCh37 (hg19) VCF-style: chr1-236908053-C-T.
Other names: p.I461I:ATC>ATT; p.Ile461=; c.1383C>T, p.Ile461= (NM_001278343.2); c.759C>T, p.Ile253= (NM_001278344.2).
Identifiers: ClinVar variation 43904 (VCV000043904.64), dbSNP rs34827377, ClinGen allele CA133128.

ClinVar aggregate classification (germline): Benign/Likely benign. Review status: criteria provided, multiple submitters, no conflicts (2 of 4 stars). 15 submissions from 15 submitters: Benign (5); Likely benign (5). 5 of the submissions do not count toward it. Last evaluated 2026-05-01.

Conditions:
Cardiovascular phenotype. Identifiers: MedGen CN230736.
Cardiomyopathy (CMYO). Also called: Cardiomyopathies. Identifiers: Orphanet 167848, MedGen C0878544, MONDO:0004994, HP:0001638. Inheritance: Various modes of inheritance.
Dilated cardiomyopathy 1AA (CMD1AA). Also called: CARDIOMYOPATHY, DILATED, 1AA, WITH OR WITHOUT LEFT VENTRICULAR NONCOMPACTION; CARDIOMYOPATHY, FAMILIAL HYPERTROPHIC, 23, WITH OR WITHOUT LEFT VENTRICULAR NONCOMPACTION; Cardiomyopathy, dilated, 1AA, with or without LVNC. Identifiers: Orphanet 154, MedGen C2677338, MONDO:0012808, OMIM 612158.
Primary familial hypertrophic cardiomyopathy (HCM). Identifiers: Orphanet 99739, MedGen C0949658, MeSH D024741, MONDO:0024573. Inheritance: Various modes of inheritance.

Allele frequency attached by ClinVar (database versions not stated): ExAC 0.00085; 1000 Genomes Project 0.00100; gnomAD exomes 0.00104 and 0.00186; gnomAD 0.00106 and 0.00112; 1000 Genomes Project 30x 0.00125; TOPMed 0.00129; ESP Exome Variant Server 0.00131.
gnomAD v4.1: 2,899 of 1,614,120 alleles (0.18%); highest among the groups gnomAD compares: Non-Finnish European, 0.22%; 7 homozygotes.

Submissions (15):

CeGaT Center for Human Genetics Tuebingen
Classification: Likely benign. Last evaluated: 2026-05-01. Review status: criteria provided, single submitter. Criteria: CeGaT Center For Human Genetics Tuebingen Variant Classification Criteria Version 2. Collection method: clinical testing. Allele origin: germline. Affected: yes. Observed: 9 variant alleles.
Comment: ACTN2: BP4, BP7, BS1

Labcorp Genetics (formerly Invitae), Labcorp
Classification: Benign for Primary familial hypertrophic cardiomyopathy; Dilated cardiomyopathy 1AA. Last evaluated: 2026-02-03. Review status: criteria provided, single submitter. Criteria: Invitae Variant Classification Sherloc (09022015). Collection method: clinical testing. Allele origin: germline.

Molecular Diagnostic Laboratory for Inherited Cardiovascular Disease, Montreal Heart Institute
Classification: Likely benign. Last evaluated: 2025-04-09. Review status: criteria provided, single submitter. Criteria: ACMG Guidelines, 2015. Collection method: clinical testing. Allele origin: germline. Affected: no.

ARUP Laboratories, Molecular Genetics and Genomics, ARUP Laboratories
Classification: Benign. Last evaluated: 2025-03-31. Review status: criteria provided, single submitter. Criteria: ARUP Molecular Germline Variant Investigation Process 2024. Collection method: clinical testing. Allele origin: germline.

Blueprint Genetics
Classification: Likely benign. Last evaluated: 2024-11-26. Review status: criteria provided, single submitter. Criteria: ACMG Guidelines, 2015. Collection method: clinical testing. Allele origin: germline.

Mayo Clinic Laboratories, Mayo Clinic
Classification: Benign. Last evaluated: 2024-10-28. Review status: criteria provided, single submitter. Criteria: ACMG Guidelines, 2015. Collection method: clinical testing. Allele origin: germline. Observed: 7 variant alleles.
Comment: BS1, BS2, BP4, BP7

CHEO Genetics Diagnostic Laboratory, Children's Hospital of Eastern Ontario
Classification: Benign for Cardiomyopathy. Last evaluated: 2019-11-20. Review status: criteria provided, single submitter. Criteria: ACMG Guidelines, 2015. Collection method: clinical testing. Allele origin: germline.

Ambry Genetics
Classification: Likely benign for Cardiovascular phenotype. Last evaluated: 2016-08-27. Review status: criteria provided, single submitter. Criteria: Ambry Variant Classification Scheme 2023. Collection method: clinical testing. Allele origin: germline.

Laboratory for Molecular Medicine, Mass General Brigham Personalized Medicine
Classification: Likely benign. Last evaluated: 2015-08-06. Review status: criteria provided, single submitter. Criteria: LMM Criteria. Collection method: clinical testing. Allele origin: germline. Observed: 12 variant alleles.
Comment: p.Ile461Ile in exon 12 of ACTN2: This variant is not expected to have clinical s ignificance because it does not alter an amino acid residue and is not located w ithin the splice consensus sequence. It has been identified in 0.1% (86/66382) o f European chromosomes by the Exome Aggregation Consortium (ExAC; dbSNP rs34827377).

GeneDx
Classification: Benign. Last evaluated: 2014-03-13. Review status: criteria provided, single submitter. Criteria: GeneDx Variant Classification (06012015). Collection method: clinical testing. Allele origin: germline. Affected: yes.
Comment: This variant is considered likely benign or benign based on one or more of the following criteria: it is a conservative change, it occurs at a poorly conserved position in the protein, it is predicted to be benign by multiple in silico algorithms, and/or has population frequency not consistent with disease.

Clinical Genetics DNA and cytogenetics Diagnostics Lab, Erasmus MC, Erasmus Medical Center
Classification: Likely benign. Review status: no assertion criteria provided. Collection method: clinical testing. Allele origin: germline. Affected: yes. Study: VKGL Data-share Consensus. Not counted in ClinVar's aggregate classification.

Clinical Genetics, Academic Medical Center
Classification: Benign. Review status: no assertion criteria provided. Collection method: clinical testing. Allele origin: germline. Affected: yes. Study: VKGL Data-share Consensus. Not counted in ClinVar's aggregate classification.

Diagnostic Laboratory, Department of Genetics, University Medical Center Groningen
Classification: Likely benign for Dilated cardiomyopathy 1AA. Review status: no assertion criteria provided. Collection method: clinical testing. Allele origin: germline. Affected: yes. Study: VKGL Data-share Consensus. Not counted in ClinVar's aggregate classification.

Genome Diagnostics Laboratory, University Medical Center Utrecht
Classification: Likely benign. Review status: no assertion criteria provided. Collection method: clinical testing. Allele origin: germline. Affected: yes. Study: VKGL Data-share Consensus. Not counted in ClinVar's aggregate classification.

Joint Genome Diagnostic Labs from Nijmegen and Maastricht, Radboudumc and MUMC+
Classification: Likely benign. Review status: no assertion criteria provided. Collection method: clinical testing. Allele origin: germline. Affected: yes. Study: VKGL Data-share Consensus. Not counted in ClinVar's aggregate classification.